The following is an entry in ClinVar:

ClinVar aggregate classification (germline): Uncertain significance (1 of 4 stars; one submission).

Submission:

Ambry Genetics
Classification: Uncertain significance. Last evaluated: 2025-10-11. Review status: criteria provided, single submitter. Criteria: Ambry Variant Classification Scheme 2023. Collection method: clinical testing. Allele origin: germline.
Comment: The p.A265V variant (also known as c.794C>T), located in coding exon 2 of the WNK2 gene, results from a C to T substitution at nucleotide position 794. The alanine at codon 265 is replaced by valine, an amino acid with similar properties. This amino acid position is conserved. In addition, this alteration is predicted to be tolerated by in silico analysis. Based on the available evidence, the clinical significance of this variant remains unclear.

NM_006648.4(WNK2):c.794C>T (p.Ala265Val)

Gene: WNK2 (WNK lysine deficient protein kinase 2; plus strand). Cytogenetic location: 9q22.31.
Variant type: single nucleotide variant.
Coding change: c.794C>T on transcript NM_006648.4 (MANE Select); coding-DNA position 794, C replaced by T.
Protein change: p.Ala265Val; replaces alanine 265 with valine.
Molecular consequence: missense variant.
Genome position (GRCh38, 1-based): chr9:93,229,808, C>T. VCF-style: chr9-93229808-C-T. GRCh37 (hg19) VCF-style: chr9-95992090-C-T.
Other names: c.794C>T, p.Ala265Val (NM_001282394.3); short protein forms A265V.
Identifiers: ClinVar variation 4605239 (VCV004605239.1).